The following is an entry in ClinVar:

ClinVar aggregate classification (germline): Benign/Likely benign. Review status: criteria provided, multiple submitters, no conflicts (2 of 4 stars). 16 submissions from 15 submitters: Benign (3); Likely benign (8). 5 of the submissions do not count toward it. Last evaluated 2026-02-16.

Conditions:
Inborn genetic diseases. Identifiers: MedGen C0950123, MeSH D030342.
Amyotrophic lateral sclerosis type 4 (ALS4). Also called: NEURONOPATHY, DISTAL HEREDITARY MOTOR, WITH PYRAMIDAL FEATURES; AMYOTROPHIC LATERAL SCLEROSIS 4, JUVENILE. Identifiers: Orphanet 357043, MedGen C1865409, MONDO:0011223, OMIM 602433.
SETX-related disorder. Also called: SETX-related disorders; SETX-related condition. Identifiers: MedGen CN239403.
Spinocerebellar ataxia, autosomal recessive, with axonal neuropathy 2 (SCAN2). Also called: Ataxia-ocular apraxia-2; Ataxia with Oculomotor Apraxia; Ataxia with Oculomotor Apraxia Type 2; ATAXIA-OCULOMOTOR APRAXIA 2. Identifiers: Orphanet 64753, MedGen C1853761, MONDO:0018996, OMIM 606002.
Hereditary spastic paraplegia. Also called: Familial spastic paraparesis. Identifiers: Orphanet 685, MedGen C0037773, MONDO:0019064. Disease mechanism: loss of function.

Allele frequency attached by ClinVar (database versions not stated): ExAC 0.00036; gnomAD exomes 0.00037 and 0.00082; ESP Exome Variant Server 0.00038; TOPMed 0.00045; gnomAD 0.00050 and 0.00053.
gnomAD v4.1: 1,265 of 1,613,956 alleles (0.078%); highest among the groups gnomAD compares: Non-Finnish European, 0.1%; no homozygotes.

Submissions (16):

Women's Health and Genetics/Laboratory Corporation of America, LabCorp
Classification: Likely benign. Last evaluated: 2026-02-16. Review status: criteria provided, single submitter. Criteria: LabCorp Variant Classification Summary - May 2015. Collection method: clinical testing. Allele origin: germline.

Labcorp Genetics (formerly Invitae), Labcorp
Classification: Likely benign for Amyotrophic lateral sclerosis type 4; Spinocerebellar ataxia, autosomal recessive, with axonal neuropathy 2. Last evaluated: 2026-01-05. Review status: criteria provided, single submitter. Criteria: Invitae Variant Classification Sherloc (09022015). Collection method: clinical testing. Allele origin: germline.

CeGaT Center for Human Genetics Tuebingen
Classification: Likely benign. Last evaluated: 2025-07-01. Review status: criteria provided, single submitter. Criteria: CeGaT Center For Human Genetics Tuebingen Variant Classification Criteria Version 2. Collection method: clinical testing. Allele origin: germline. Affected: yes. Observed: 5 variant alleles.
Comment: SETX: BP4, BP7

Athena Diagnostics
Classification: Benign. Last evaluated: 2025-01-17. Review status: criteria provided, single submitter. Criteria: Athena Diagnostics Criteria. Collection method: clinical testing. Allele origin: unknown.
Comment: The frequency of this variant in the general population is higher than would generally be expected for pathogenic variants in this gene. Computational tools yielded predictions that this variant is unlikely to have an effect on normal RNA splicing. This nucleotide position exhibits low evolutionary conservation.

Blueprint Genetics
Classification: Likely benign. Last evaluated: 2024-09-13. Review status: criteria provided, single submitter. Criteria: ACMG Guidelines, 2015. Collection method: clinical testing. Allele origin: germline.

ARUP Laboratories, Molecular Genetics and Genomics, ARUP Laboratories
Classification: Likely benign. Last evaluated: 2023-12-19. Review status: criteria provided, single submitter. Criteria: ARUP Molecular Germline Variant Investigation Process 2024. Collection method: clinical testing. Allele origin: germline.

Genome-Nilou Lab
Classification: Benign for Spinocerebellar ataxia, autosomal recessive, with axonal neuropathy 2. Last evaluated: 2023-02-08. Review status: criteria provided, single submitter. Criteria: ACMG Guidelines, 2015. Collection method: clinical testing. Allele origin: germline.

Genome-Nilou Lab
Classification: Benign for Amyotrophic lateral sclerosis type 4. Last evaluated: 2023-02-08. Review status: criteria provided, single submitter. Criteria: ACMG Guidelines, 2015. Collection method: clinical testing. Allele origin: germline.

Ambry Genetics
Classification: Likely benign for Inborn genetic diseases. Last evaluated: 2019-07-11. Review status: criteria provided, single submitter. Criteria: Ambry Variant Classification Scheme 2023. Collection method: clinical testing. Allele origin: germline.

Genome Diagnostics Laboratory, The Hospital for Sick Children
Classification: Likely benign for Hereditary spastic paraplegia. Last evaluated: 2018-01-01. Review status: criteria provided, single submitter. Criteria: ACMG Guidelines, 2015. Collection method: clinical testing. Allele origin: germline. Affected: yes.

Breakthrough Genomics
Classification: Likely benign. Review status: criteria provided, single submitter. Criteria: ACMG Guidelines, 2015. Collection method: not provided. Allele origin: germline. Inheritance: Autosomal recessive inheritance. Affected: yes.

PreventionGenetics, part of Exact Sciences
Classification: Likely benign for SETX-related condition. Last evaluated: 2022-01-13. Review status: no assertion criteria provided. Collection method: clinical testing. Allele origin: germline. Not counted in ClinVar's aggregate classification.
Comment: This variant is classified as likely benign based on ACMG/AMP sequence variant interpretation guidelines (Richards et al. 2015 PMID: 25741868, with internal and published modifications).

Clinical Genetics DNA and cytogenetics Diagnostics Lab, Erasmus MC, Erasmus Medical Center
Classification: Likely benign. Review status: no assertion criteria provided. Collection method: clinical testing. Allele origin: germline. Affected: yes. Study: VKGL Data-share Consensus. Not counted in ClinVar's aggregate classification.

Clinical Genetics, Academic Medical Center
Classification: Likely benign. Review status: no assertion criteria provided. Collection method: clinical testing. Allele origin: germline. Affected: yes. Study: VKGL Data-share Consensus. Not counted in ClinVar's aggregate classification.

Genome Diagnostics Laboratory, Amsterdam University Medical Center
Classification: Likely benign. Review status: no assertion criteria provided. Collection method: clinical testing. Allele origin: germline. Affected: yes. Study: VKGL Data-share Consensus. Not counted in ClinVar's aggregate classification.

Genome Diagnostics Laboratory, University Medical Center Utrecht
Classification: Likely benign. Review status: no assertion criteria provided. Collection method: clinical testing. Allele origin: germline. Affected: yes. Study: VKGL Data-share Consensus. Not counted in ClinVar's aggregate classification.

NM_015046.7(SETX):c.3336T>C (p.Ala1112=)

Gene: SETX (senataxin; minus strand). Cytogenetic location: 9q34.13.
Variant type: single nucleotide variant.
Coding change: c.3336T>C on transcript NM_015046.7 (MANE Select); coding-DNA position 3336, T replaced by C.
Protein change: p.Ala1112=; no amino-acid change (alanine 1112 retained).
Molecular consequence: synonymous variant.
Genome position (GRCh38, 1-based): chr9:132,328,262, A>G on the plus strand (T>C on the coding strand, the complement: SETX is on the minus strand). VCF-style: chr9-132328262-A-G. GRCh37 (hg19) VCF-style: chr9-135203649-A-G.
Other names: c.3336T>C, p.Ala1112= (NM_001351527.2, NM_001351528.2).
Identifiers: ClinVar variation 448322 (VCV000448322.61), dbSNP rs150687078, ClinGen allele CA5297427.